The following is an entry in ClinVar:

NM_004484.4(GPC3):c.1070A>G (p.Tyr357Cys)

Gene: GPC3 (glypican 3; minus strand). Cytogenetic location: Xq26.2.
Variant type: single nucleotide variant.
Coding change: c.1070A>G on transcript NM_004484.4 (MANE Select); coding-DNA position 1070, A replaced by G.
Protein change: p.Tyr357Cys; replaces tyrosine 357 with cysteine.
Molecular consequence: missense variant.
Genome position (GRCh38, 1-based): chrX:133,699,991, T>C on the plus strand (A>G on the coding strand, the complement: GPC3 is on the minus strand). VCF-style: chrX-133699991-T-C. GRCh37 (hg19) VCF-style: chrX-132834019-T-C.
Other names: c.1070A>G (NM_004484.3); c.1139A>G, p.Tyr380Cys (NM_001164617.2); c.1022A>G, p.Tyr341Cys (NM_001164618.2); c.908A>G, p.Tyr303Cys (NM_001164619.2); short protein forms Y303C, Y341C, Y357C, Y380C.
Identifiers: ClinVar variation 1054925 (VCV001054925.12), dbSNP rs757269723, ClinGen allele CA10520733.
Genomic context (GRCh38, chrX:133,699,991, plus strand): 5'-TGAGCAACTTTTAATACTTTCTTGTCAATAAAGAGATCTTCAGGATAATAAGCAGATCTA[T>C]ATTGGCGTTGTTGAGAATGGGCACATAACTTGCCAATCTGAAAAAAGAAATGCAATATAA-3'
Protein context (NP_004475.1, residues 347-367): KLCAHSQQRQ[Tyr357Cys]RSAYYPEDLF

ClinVar aggregate classification (germline): Uncertain significance. Review status: criteria provided, multiple submitters, no conflicts (2 of 4 stars). 4 submissions from 4 submitters: Uncertain significance (4). Last evaluated 2025-07-02.

Conditions:
GPC3-related disorder. Also called: GPC3-related condition.
Wilms tumor 1 (WT1). Also called: Wilms tumor, somatic. Identifiers: Orphanet 654, MedGen CN033288, MONDO:0008679, OMIM 194070.
Simpson-Golabi-Behmel syndrome type 1 (SGBS1). Also called: GPC3-Related Simpson-Golabi-Behmel Syndrome Type 1; GOLABI-ROSEN SYNDROME; SIMPSON DYSMORPHIA SYNDROME; BULLDOG SYNDROME; DYSPLASIA GIGANTISM SYNDROME, X-LINKED. Identifiers: Orphanet 373, MedGen C0796154, MONDO:0020602, OMIM 312870.

Allele frequency attached by ClinVar (database versions not stated): gnomAD exomes below 0.00001 and 0.00001; ExAC 0.00001; gnomAD 0.00001; TOPMed 0.00002.
gnomAD v4.1: 2 of 1,191,620 alleles (0.00017%); highest among the groups gnomAD compares: Non-Finnish European, 0.00023%; no homozygotes.

Submissions (4):

Labcorp Genetics (formerly Invitae), Labcorp
Classification: Uncertain significance for Wilms tumor 1. Last evaluated: 2025-07-02. Review status: criteria provided, single submitter. Criteria: Invitae Variant Classification Sherloc (09022015). Collection method: clinical testing. Allele origin: germline.
Comment: This sequence change replaces tyrosine, which is neutral and polar, with cysteine, which is neutral and slightly polar, at codon 357 of the GPC3 protein (p.Tyr357Cys). This variant is present in population databases (rs757269723, gnomAD 0.001%). This variant has not been reported in the literature in individuals affected with GPC3-related conditions. ClinVar contains an entry for this variant (Variation ID: 1054925). Invitae Evidence Modeling of protein sequence and biophysical properties (such as structural, functional, and spatial information, amino acid conservation, physicochemical variation, residue mobility, and thermodynamic stability) indicates that this missense variant is not expected to disrupt GPC3 protein function with a negative predictive value of 80%. In summary, the available evidence is currently insufficient to determine the role of this variant in disease. Therefore, it has been classified as a Variant of Uncertain Significance.

PreventionGenetics, part of Exact Sciences
Classification: Uncertain significance for GPC3-related condition. Last evaluated: 2023-04-21. Review status: criteria provided, single submitter. Criteria: ACMG Guidelines, 2015. Collection method: clinical testing. Allele origin: germline.
Comment: The GPC3 c.1070A>G variant is predicted to result in the amino acid substitution p.Tyr357Cys. To our knowledge, this variant has not been reported in the literature. This variant is reported in 0.0012% of alleles in individuals of European (Non-Finnish) descent in gnomAD. At this time, the clinical significance of this variant is uncertain due to the absence of conclusive functional and genetic evidence.

Blueprint Genetics
Classification: Uncertain significance. Last evaluated: 2022-10-05. Review status: criteria provided, single submitter. Criteria: ACMG Guidelines, 2015. Collection method: clinical testing. Allele origin: germline.

Fulgent Genetics
Classification: Uncertain significance for Wilms tumor 1; Simpson-Golabi-Behmel syndrome type 1. Last evaluated: 2022-01-11. Review status: criteria provided, single submitter. Criteria: ACMG Guidelines, 2015. Collection method: clinical testing. Allele origin: unknown.